The following is an entry in ClinVar:

ClinVar aggregate classification (germline): Uncertain significance. Review status: criteria provided, multiple submitters, no conflicts (2 of 4 stars). 3 submissions from 3 submitters: Uncertain significance (2). 1 of the submissions does not count toward it. Last evaluated 2025-07-01.

Conditions:
Inborn genetic diseases. Identifiers: MedGen C0950123, MeSH D030342.
Polycystic kidney disease, adult type (PKD1). Also called: Polycystic Kidney Disease 1, Autosomal Dominant; Polycystic kidney disease 1; Polycystic kidney disease 1, severe; POLYCYSTIC KIDNEY DISEASE, ADULT, TYPE I; Polycystic Kidney, Autosomal Dominant; POLYCYSTIC KIDNEY DISEASE 1 WITH OR WITHOUT POLYCYSTIC LIVER DISEASE. Identifiers: MedGen C3149841, MONDO:0008263, OMIM 173900.

Allele frequency attached by ClinVar (database versions not stated): gnomAD exomes 0.00002; gnomAD 0.00003; TOPMed 0.00005.
gnomAD v4.1: 32 of 1,513,606 alleles (0.0021%); highest among the groups gnomAD compares: Non-Finnish European, 0.0021%; no homozygotes.

Submissions (3):

Ambry Genetics
Classification: Uncertain significance for Inborn genetic diseases. Last evaluated: 2025-07-01. Review status: criteria provided, single submitter. Criteria: Ambry Variant Classification Scheme 2023. Collection method: clinical testing. Allele origin: germline.

Fulgent Genetics
Classification: Uncertain significance for Polycystic kidney disease, adult type. Last evaluated: 2024-05-08. Review status: criteria provided, single submitter. Criteria: ACMG Guidelines, 2015. Collection method: clinical testing. Allele origin: germline.

Genetic Services Laboratory, University of Chicago
Classification: Uncertain significance. Last evaluated: 2022-08-23. Review status: no assertion criteria provided. Collection method: clinical testing. Allele origin: germline. Affected: no. Not counted in ClinVar's aggregate classification.
Comment: DNA sequence analysis of the PKD1 gene demonstrated a sequence change, c.11813G>A, in exon 43 that results in an amino acid change, p.Arg3938Gln. This sequence change has been described in the gnomAD database in two individuals which corresponds to an overall population frequency of 0.001% (dbSNP rs944432348). The p.Arg3938Gln change affects a poorly conserved amino acid residue located in a domain of the PKD1 protein that is known to be functional. The p.Arg3938Gln substitution appears to be benign using several in-silico pathogenicity prediction tools (SIFT, PolyPhen2, Align GVGD, REVEL). This sequence change does not appear to have been previously described in individuals with PKD1-related disorders, however, a different missense variant at the same position, p.Arg3938Trp, has been reported in the homozygous state in a child with early onset polycystic kidney disease (PMID: 31079206). Due to insufficient evidences and the lack of functional studies, the clinical significance of the p.Arg3938Gln change remains unknown at this time.

NM_001009944.3(PKD1):c.11813G>A (p.Arg3938Gln)

Gene: PKD1 (polycystin 1, transient receptor potential channel interacting; minus strand). Cytogenetic location: 16p13.3.
Variant type: single nucleotide variant.
Coding change: c.11813G>A on transcript NM_001009944.3 (MANE Select); coding-DNA position 11813, G replaced by A.
Protein change: p.Arg3938Gln; replaces arginine 3938 with glutamine.
Molecular consequence: missense variant.
Genome position (GRCh38, 1-based): chr16:2,091,074, C>T on the plus strand (G>A on the coding strand, the complement: PKD1 is on the minus strand). VCF-style: chr16-2091074-C-T. GRCh37 (hg19) VCF-style: chr16-2141075-C-T.
Other names: c.11810G>A (NM_000296.3); c.11810G>A, p.Arg3937Gln (NM_000296.4); short protein forms R3937Q, R3938Q.
Identifiers: ClinVar variation 2443213 (VCV002443213.4), dbSNP rs944432348, ClinGen allele CA276765007.